The following is an entry in ClinVar:

ClinVar aggregate classification (germline): Uncertain significance. Review status: criteria provided, multiple submitters, no conflicts (2 of 4 stars). 2 submissions from 2 submitters: Uncertain significance (2). Last evaluated 2024-10-12.

Conditions:
Hereditary cancer-predisposing syndrome. Also called: Hereditary Cancer Syndrome; Tumor predisposition; Hereditary neoplastic syndrome; Neoplastic Syndromes, Hereditary. Identifiers: Orphanet 140162, MedGen C0027672, MeSH D009386, MONDO:0015356.

gnomAD v4.1: 2 of 1,612,524 alleles (0.00012%); highest among the groups gnomAD compares: South Asian, 0.0022%; no homozygotes.

Submissions (2):

Ambry Genetics
Classification: Uncertain significance for Hereditary cancer-predisposing syndrome. Last evaluated: 2024-10-12. Review status: criteria provided, single submitter. Criteria: Ambry Variant Classification Scheme 2023. Collection method: clinical testing. Allele origin: germline.
Comment: The p.E70K variant (also known as c.208G>A), located in coding exon 3 of the POLE gene, results from a G to A substitution at nucleotide position 208. The glutamic acid at codon 70 is replaced by lysine, an amino acid with similar properties. This amino acid position is conserved. In addition, the in silico prediction for this alteration is inconclusive. Based on the available evidence, the clinical significance of this variant remains unclear.

Labcorp Genetics (formerly Invitae), Labcorp
Classification: Uncertain significance. Last evaluated: 2022-07-23. Review status: criteria provided, single submitter. Criteria: Invitae Variant Classification Sherloc (09022015). Collection method: clinical testing. Allele origin: germline.
Comment: This sequence change replaces glutamic acid, which is acidic and polar, with lysine, which is basic and polar, at codon 70 of the POLE protein (p.Glu70Lys). In summary, the available evidence is currently insufficient to determine the role of this variant in disease. Therefore, it has been classified as a Variant of Uncertain Significance. Algorithms developed to predict the effect of missense changes on protein structure and function are either unavailable or do not agree on the potential impact of this missense change (SIFT: "Tolerated"; PolyPhen-2: "Probably Damaging"; Align-GVGD: "Class C0"). ClinVar contains an entry for this variant (Variation ID: 646684). This variant has not been reported in the literature in individuals affected with POLE-related conditions. This variant is not present in population databases (gnomAD no frequency).

NM_006231.4(POLE):c.208G>A (p.Glu70Lys)

Gene: POLE (DNA polymerase epsilon, catalytic subunit; minus strand). Cytogenetic location: 12q24.33.
Variant type: single nucleotide variant.
Coding change: c.208G>A on transcript NM_006231.4 (MANE Select); coding-DNA position 208, G replaced by A.
Protein change: p.Glu70Lys; replaces glutamic acid 70 with lysine.
Molecular consequence: missense variant.
Genome position (GRCh38, 1-based): chr12:132,680,684, C>T on the plus strand (G>A on the coding strand, the complement: POLE is on the minus strand). VCF-style: chr12-132680684-C-T. GRCh37 (hg19) VCF-style: chr12-133257270-C-T.
Other names: c.208G>A (NM_006231.2); short protein forms E70K.
Identifiers: ClinVar variation 646684 (VCV000646684.9), dbSNP rs1593087295, ClinGen allele CA387369444.